The following is an entry in ClinVar:

ClinVar aggregate classification (germline): Uncertain significance (1 of 4 stars; one submission).

gnomAD v4.1: 14 of 1,604,014 alleles (0.00087%); highest among the groups gnomAD compares: African/African-American, 0.004%; no homozygotes.

Submission:

GeneDx
Classification: Uncertain significance. Last evaluated: 2024-12-06. Review status: criteria provided, single submitter. Criteria: GeneDx Variant Classification Process June 2021. Collection method: clinical testing. Allele origin: germline. Affected: yes.
Comment: In silico analysis supports that this missense variant has a deleterious effect on protein structure/function; Has not been previously published as pathogenic or benign to our knowledge

NM_018896.5(CACNA1G):c.1724C>T (p.Ser575Phe)

Gene: CACNA1G (calcium voltage-gated channel subunit alpha1 G; plus strand). Cytogenetic location: 17q21.33.
Variant type: single nucleotide variant.
Coding change: c.1724C>T on transcript NM_018896.5 (MANE Select); coding-DNA position 1724, C replaced by T.
Protein change: p.Ser575Phe; replaces serine 575 with phenylalanine.
Molecular consequence: missense variant. On other transcripts: non-coding transcript variant (5).
Genome position (GRCh38, 1-based): chr17:50,576,126, C>T. VCF-style: chr17-50576126-C-T. GRCh37 (hg19) VCF-style: chr17-48653487-C-T.
Other names: c.1724C>T, p.Ser575Phe (NM_001256324.2, NM_001256325.2, NM_001256326.2 and 24 more transcripts); short protein forms S575F.
Identifiers: ClinVar variation 3901504 (VCV003901504.1).